The following is an entry in ClinVar:

ClinVar aggregate classification (germline): Uncertain significance (1 of 4 stars; one submission).

Allele frequency attached by ClinVar (database versions not stated): gnomAD 0.00003; TOPMed 0.00003; ExAC 0.00004; gnomAD exomes 0.00004 and 0.00013.
gnomAD v4.1: 186 of 1,578,672 alleles (0.012%); highest among the groups gnomAD compares: Non-Finnish European, 0.015%; no homozygotes.

Submission:

Labcorp Genetics (formerly Invitae), Labcorp
Classification: Uncertain significance. Last evaluated: 2023-12-22. Review status: criteria provided, single submitter. Criteria: Invitae Variant Classification Sherloc (09022015). Collection method: clinical testing. Allele origin: germline.
Comment: This sequence change replaces glutamic acid, which is acidic and polar, with aspartic acid, which is acidic and polar, at codon 1446 of the OBSL1 protein (p.Glu1446Asp). This variant is present in population databases (rs764505533, gnomAD 0.008%). This variant has not been reported in the literature in individuals affected with OBSL1-related conditions. ClinVar contains an entry for this variant (Variation ID: 1396923). An algorithm developed to predict the effect of missense changes on protein structure and function (PolyPhen-2) suggests that this variant is likely to be disruptive. In summary, the available evidence is currently insufficient to determine the role of this variant in disease. Therefore, it has been classified as a Variant of Uncertain Significance.

NM_015311.3(OBSL1):c.4338G>C (p.Glu1446Asp)

Gene: OBSL1 (obscurin like cytoskeletal adaptor 1; minus strand). Cytogenetic location: 2q35.
Variant type: single nucleotide variant.
Coding change: c.4338G>C on transcript NM_015311.3 (MANE Select); coding-DNA position 4338, G replaced by C.
Protein change: p.Glu1446Asp; replaces glutamic acid 1446 with aspartic acid.
Molecular consequence: missense variant.
Genome position (GRCh38, 1-based): chr2:219,556,291, C>G on the plus strand (G>C on the coding strand, the complement: OBSL1 is on the minus strand). VCF-style: chr2-219556291-C-G. GRCh37 (hg19) VCF-style: chr2-220421013-C-G.
Other names: c.4338G>C, p.Glu1446Asp (NM_001173431.2); short protein forms E1446D.
Identifiers: ClinVar variation 1396923 (VCV001396923.6), dbSNP rs764505533, ClinGen allele CA2130569.